The following is an entry in ClinVar:

ClinVar aggregate classification (germline): Pathogenic (1 of 4 stars; one submission).

Conditions:
VPS13A-related neurodegenerative disease. Also called: ACANTHOCYTOSIS WITH NEUROLOGIC DISORDER; LEVINE-CRITCHLEY SYNDROME; Choreoacanthocytosis; Chorea-acanthocytosis; Choreaacanthocytosis; VPS13A Disease. Identifiers: Orphanet 2388, MedGen C0393576, MONDO:0008695, OMIM 200150.

Submission:

Myriad Genetics, Inc.
Classification: Pathogenic for VPS13A-related neurodegenerative disease. Last evaluated: 2024-05-14. Review status: criteria provided, single submitter. Criteria: Myriad Autosomal Dominant, Autosomal Recessive and X-Linked Classification Criteria (2023). Collection method: clinical testing. Allele origin: unknown.
Comment: NM_033305.2(VPS13A):c.4165_4183del19ins3(L1389Yfs*3) is expected to be pathogenic in the context of VPS13A disease. This variant is predicted to lead to an abnormal or absent protein product due to the creation of a premature termination codon in VPS13A, a gene where loss-of-function variants are known to be pathogenic. Please note: this variant was assessed in the context of healthy population screening.

NM_033305.3(VPS13A):c.4165_4183delinsTAC (p.Leu1389fs)

Gene: VPS13A (vacuolar protein sorting 13 homolog A; plus strand). Cytogenetic location: 9q21.2.
Variant type: Indel.
Coding change: c.4165_4183delinsTAC on transcript NM_033305.3 (MANE Select); coding-DNA positions 4165 to 4183, CTAGTTAAGACAACACTAA replaced by TAC.
Protein change: p.Leu1389fs; shifts the reading frame from leucine 1389.
Molecular consequence: frameshift variant.
Genome position (GRCh38, 1-based): chr9:77,314,042-77,314,060, CTAGTTAAGACAACACTAA replaced by TAC. VCF-style: chr9-77314042-CTAGTTAAGACAACACTAA-TAC. GRCh37 (hg19) VCF-style: chr9-79928958-CTAGTTAAGACAACACTAA-TAC.
Other names: c.4048_4066delinsTAC, p.Leu1350fs (NM_001018037.2); c.4165_4183delinsTAC, p.Leu1389fs (NM_001018038.3, NM_015186.4); short protein forms L1350fs, L1389fs.
Identifiers: ClinVar variation 5010950 (VCV005010950.1).